The following is an entry in ClinVar:

NM_001844.5(COL2A1):c.1069-3C>T

Gene: COL2A1 (collagen type II alpha 1 chain; minus strand). Cytogenetic location: 12q13.11.
Variant type: single nucleotide variant.
Coding change: c.1069-3C>T on transcript NM_001844.5 (MANE Select); 3 bases into the intron before coding-DNA position 1069, C replaced by T.
Molecular consequence: intron variant.
Genome position (GRCh38, 1-based): chr12:47,989,284, G>A on the plus strand (C>T on the coding strand, the complement: COL2A1 is on the minus strand). VCF-style: chr12-47989284-G-A. GRCh37 (hg19) VCF-style: chr12-48383067-G-A.
Other names: c.862-3C>T (NM_033150.3).
Identifiers: ClinVar variation 3650368 (VCV003650368.2).
Genomic context (GRCh38, chr12:47,989,284, plus strand): 5'-GTACCTTGGCTCCAGGAGCACCAGGGAAGCCAGGACCACCAGCAGGACCGACAGGACCCT[G>A]GAGAGAGTAGGCGGATGAGAAGAGAGGTGAATGCCAGTTCTGGCCTCCAAAGCGAGCCAC-3'

ClinVar aggregate classification (germline): Uncertain significance (1 of 4 stars; one submission).

Submission:

Labcorp Genetics (formerly Invitae), Labcorp
Classification: Uncertain significance. Last evaluated: 2024-04-18. Review status: criteria provided, single submitter. Criteria: Invitae Variant Classification Sherloc (09022015). Collection method: clinical testing. Allele origin: germline.
Comment: This sequence change falls in intron 17 of the COL2A1 gene. It does not directly change the encoded amino acid sequence of the COL2A1 protein. It affects a nucleotide within the consensus splice site. This variant is not present in population databases (gnomAD no frequency). This variant has not been reported in the literature in individuals affected with COL2A1-related conditions. Variants that disrupt the consensus splice site are a relatively common cause of aberrant splicing (PMID: 17576681, 9536098). Algorithms developed to predict the effect of sequence changes on RNA splicing suggest that this variant is not likely to affect RNA splicing. In summary, the available evidence is currently insufficient to determine the role of this variant in disease. Therefore, it has been classified as a Variant of Uncertain Significance.

Literature cited by the submitters: PubMed 17576681; PubMed 9536098.